The following is an entry in ClinVar:

ClinVar aggregate classification (germline): Uncertain significance (1 of 4 stars; one submission).

Conditions:
Capillary malformation-arteriovenous malformation syndrome. Also called: Capillary malformation-arteriovenous malformation. Identifiers: Orphanet 137667, MedGen C1842180, MONDO:0012016.

Submission:

Labcorp Genetics (formerly Invitae), Labcorp
Classification: Uncertain significance for Capillary malformation-arteriovenous malformation syndrome. Last evaluated: 2022-02-13. Review status: criteria provided, single submitter. Criteria: Invitae Variant Classification Sherloc (09022015). Collection method: clinical testing. Allele origin: germline.
Comment: Algorithms developed to predict the effect of sequence changes on RNA splicing suggest that this variant may create or strengthen a splice site. Algorithms developed to predict the effect of missense changes on protein structure and function (SIFT, PolyPhen-2, Align-GVGD) all suggest that this variant is likely to be tolerated. This variant has not been reported in the literature in individuals affected with RASA1-related conditions. This variant is not present in population databases (gnomAD no frequency). This sequence change replaces aspartic acid, which is acidic and polar, with glycine, which is neutral and non-polar, at codon 305 of the RASA1 protein (p.Asp305Gly). In summary, the available evidence is currently insufficient to determine the role of this variant in disease. Therefore, it has been classified as a Variant of Uncertain Significance.

NM_002890.3(RASA1):c.914A>G (p.Asp305Gly)

Genes: CCNH (cyclin H; minus strand), RASA1 (RAS p21 protein activator 1; plus strand). Cytogenetic location: 5q14.3.
Variant type: single nucleotide variant.
Coding change: c.914A>G on transcript NM_002890.3 (MANE Select); coding-DNA position 914, A replaced by G.
Protein change: p.Asp305Gly; replaces aspartic acid 305 with glycine.
Molecular consequence: missense variant. On other transcripts: intron variant (1).
Genome position (GRCh38, 1-based): chr5:87,337,988, A>G. VCF-style: chr5-87337988-A-G. GRCh37 (hg19) VCF-style: chr5-86633805-A-G.
Other names: c.383A>G, p.Asp128Gly (NM_022650.3); c.934-25193T>C (NM_001364075.2); short protein forms D128G, D305G.
Identifiers: ClinVar variation 1515538 (VCV001515538.8), dbSNP rs2112386523, ClinGen allele CA360380403.